The following is an entry in ClinVar:

ClinVar aggregate classification (germline): Uncertain significance (1 of 4 stars; one submission).

Conditions:
Primary ciliary dyskinesia 28. Also called: CILIARY DYSKINESIA, PRIMARY, 28, WITH OR WITHOUT SITUS INVERSUS. Identifiers: Orphanet 244, MedGen C3809706, MONDO:0014216, OMIM 615505.

Allele frequency attached by ClinVar (database versions not stated): TOPMed below 0.00001; gnomAD exomes 0.00001.
gnomAD v4.1: 11 of 1,614,182 alleles (0.00068%); highest among the groups gnomAD compares: Non-Finnish European, 0.00085%; no homozygotes.

Submission:

Labcorp Genetics (formerly Invitae), Labcorp
Classification: Uncertain significance for Primary ciliary dyskinesia 28. Last evaluated: 2021-07-13. Review status: criteria provided, single submitter. Criteria: Invitae Variant Classification Sherloc (09022015). Collection method: clinical testing. Allele origin: germline.
Comment: In summary, the available evidence is currently insufficient to determine the role of this variant in disease. Therefore, it has been classified as a Variant of Uncertain Significance. Algorithms developed to predict the effect of missense changes on protein structure and function are either unavailable or do not agree on the potential impact of this missense change (SIFT: "Deleterious"; PolyPhen-2: "Possibly Damaging"; Align-GVGD: "Class C0"). This sequence change replaces lysine with asparagine at codon 835 of the SPAG1 protein (p.Lys835Asn). The lysine residue is moderately conserved and there is a moderate physicochemical difference between lysine and asparagine. This variant is not present in population databases (ExAC no frequency). This variant has not been reported in the literature in individuals affected with SPAG1-related conditions.

NM_003114.5(SPAG1):c.2505A>T (p.Lys835Asn)

Gene: SPAG1 (sperm associated antigen 1; plus strand). Cytogenetic location: 8q22.2.
Variant type: single nucleotide variant.
Coding change: c.2505A>T on transcript NM_003114.5 (MANE Select); coding-DNA position 2505, A replaced by T.
Protein change: p.Lys835Asn; replaces lysine 835 with asparagine.
Molecular consequence: missense variant.
Genome position (GRCh38, 1-based): chr8:100,240,627, A>T. VCF-style: chr8-100240627-A-T. GRCh37 (hg19) VCF-style: chr8-101252855-A-T.
Other names: c.2505A>T, p.Lys835Asn (NM_001374321.1, NM_172218.3); short protein forms K835N.
Identifiers: ClinVar variation 1405343 (VCV001405343.8), dbSNP rs1177759013, ClinGen allele CA371818783.